The following is an entry in ClinVar:

NM_001277115.2(DNAH11):c.6190G>A (p.Asp2064Asn)

Gene: DNAH11 (dynein axonemal heavy chain 11; plus strand). Cytogenetic location: 7p15.3.
Variant type: single nucleotide variant.
Coding change: c.6190G>A on transcript NM_001277115.2 (MANE Select); coding-DNA position 6190, G replaced by A.
Protein change: p.Asp2064Asn; replaces aspartic acid 2064 with asparagine.
Molecular consequence: missense variant.
Genome position (GRCh38, 1-based): chr7:21,702,719, G>A. VCF-style: chr7-21702719-G-A. GRCh37 (hg19) VCF-style: chr7-21742337-G-A.
Other names: short protein forms D2064N.
Identifiers: ClinVar variation 839830 (VCV000839830.10), dbSNP rs756809691, ClinGen allele CA4180725.
Genomic context (GRCh38, chr7:21,702,719, plus strand): 5'-ATCTTCTTCCCTCATACAATTTTTGAGAAAATAAACCTGTTTTGATTTTAGGATCATTAC[G>A]ACTGGGGACTTCGTGCTATTAAGTCTGTCTTGGTTGTGGCTGGATCTCTGAAACGAGGAG-3'
Protein context (NP_001264044.1, residues 2054-2074): KELLSKQDHY[Asp2064Asn]WGLRAIKSVL

ClinVar aggregate classification (germline): Conflicting classifications of pathogenicity. Review status: criteria provided, conflicting classifications (1 of 4 stars). 2 submissions from 2 submitters: Uncertain significance (1); Likely benign (1). Last evaluated 2026-04-18.

Conditions:
Primary ciliary dyskinesia. Also called: Ciliary dyskinesia. Identifiers: Orphanet 244, MedGen C0008780, MONDO:0016575, HP:0012265.

Allele frequency attached by ClinVar (database versions not stated): TOPMed 0.00003; gnomAD 0.00002 and 0.00003; gnomAD exomes 0.00002; ExAC 0.00003.
gnomAD v4.1: 21 of 1,613,214 alleles (0.0013%); highest among the groups gnomAD compares: South Asian, 0.0077%; no homozygotes.

Submissions (2):

Ambry Genetics
Classification: Uncertain significance for Primary ciliary dyskinesia. Last evaluated: 2026-04-18. Review status: criteria provided, single submitter. Criteria: Ambry Variant Classification Scheme 2023. Collection method: clinical testing. Allele origin: germline.
Comment: The p.D2064N variant (also known as c.6190G>A), located in coding exon 37 of the DNAH11 gene, results from a G to A substitution at nucleotide position 6190. The aspartic acid at codon 2064 is replaced by asparagine, an amino acid with highly similar properties. This amino acid position is conserved. In addition, this alteration is predicted to be tolerated by in silico analysis. Based on the available evidence, the clinical significance of this variant remains unclear.

Labcorp Genetics (formerly Invitae), Labcorp
Classification: Likely benign for Primary ciliary dyskinesia. Last evaluated: 2024-02-16. Review status: criteria provided, single submitter. Criteria: Invitae Variant Classification Sherloc (09022015). Collection method: clinical testing. Allele origin: germline.